The following is an entry in ClinVar:

ClinVar aggregate classification (germline): Uncertain significance. Review status: criteria provided, multiple submitters, no conflicts (2 of 4 stars). 2 submissions from 2 submitters: Uncertain significance (2). Last evaluated 2025-05-07.

Conditions:
Inborn genetic diseases. Identifiers: MedGen C0950123, MeSH D030342.
Charcot-Marie-Tooth disease type 2E (CMT2E). Also called: CHARCOT-MARIE-TOOTH DISEASE, AXONAL, TYPE 2E; CHARCOT-MARIE-TOOTH NEUROPATHY, TYPE 2E. Identifiers: Orphanet 99939, MedGen C1843225, MONDO:0011894, OMIM 607684.

Submissions (2):

Labcorp Genetics (formerly Invitae), Labcorp
Classification: Uncertain significance for Charcot-Marie-Tooth disease type 2E. Last evaluated: 2025-05-07. Review status: criteria provided, single submitter. Criteria: Invitae Variant Classification Sherloc (09022015). Collection method: clinical testing. Allele origin: germline.
Comment: This sequence change replaces arginine, which is basic and polar, with cysteine, which is neutral and slightly polar, at codon 55 of the NEFL protein (p.Arg55Cys). This variant is not present in population databases (gnomAD no frequency). This variant has not been reported in the literature in individuals affected with NEFL-related conditions. ClinVar contains an entry for this variant (Variation ID: 2327459). Invitae Evidence Modeling of protein sequence and biophysical properties (such as structural, functional, and spatial information, amino acid conservation, physicochemical variation, residue mobility, and thermodynamic stability) indicates that this missense variant is not expected to disrupt NEFL protein function with a negative predictive value of 80%. In summary, the available evidence is currently insufficient to determine the role of this variant in disease. Therefore, it has been classified as a Variant of Uncertain Significance.

Ambry Genetics
Classification: Uncertain significance for Inborn genetic diseases. Last evaluated: 2022-11-18. Review status: criteria provided, single submitter. Criteria: Ambry Variant Classification Scheme 2023. Collection method: clinical testing. Allele origin: germline.

NM_006158.5(NEFL):c.163C>T (p.Arg55Cys)

Gene: NEFL (neurofilament light chain; minus strand). Cytogenetic location: 8p21.2.
Variant type: single nucleotide variant.
Coding change: c.163C>T on transcript NM_006158.5 (MANE Select); coding-DNA position 163, C replaced by T.
Protein change: p.Arg55Cys; replaces arginine 55 with cysteine.
Molecular consequence: missense variant.
Genome position (GRCh38, 1-based): chr8:24,956,353, G>A on the plus strand (C>T on the coding strand, the complement: NEFL is on the minus strand). VCF-style: chr8-24956353-G-A. GRCh37 (hg19) VCF-style: chr8-24813867-G-A.
Other names: short protein forms R55C.
Identifiers: ClinVar variation 2327459 (VCV002327459.4), dbSNP rs1803056285, ClinGen allele CA370623837.